The following is an entry in ClinVar:

NM_001148.6(ANK2):c.7935T>A (p.Asp2645Glu)

Genes: ANK2 (ankyrin 2; plus strand), LOC126807137 (CDK7 strongly-dependent group 2 enhancer GRCh37_chr4:114276560-114277759; plus strand). Cytogenetic location: 4q26.
Variant type: single nucleotide variant.
Coding change: c.7935T>A on transcript NM_001148.6 (MANE Select); coding-DNA position 7935, T replaced by A.
Protein change: p.Asp2645Glu; replaces aspartic acid 2645 with glutamic acid.
Molecular consequence: missense variant. On other transcripts: intron variant (68).
Genome position (GRCh38, 1-based): chr4:113,356,553, T>A. VCF-style: chr4-113356553-T-A. GRCh37 (hg19) VCF-style: chr4-114277709-T-A.
Other names: c.4469-4270T>A (NM_001354231.2, NM_001354242.2); c.4472-4270T>A (NM_001386144.1, NM_001354240.2, NM_001354241.2); c.1991-4270T>A (NM_001354279.2, NM_001354282.2); c.1976-4270T>A (NM_001354280.2); c.1955-4270T>A (NM_001354278.2, NM_001354281.2); c.827-4270T>A (NM_001386167.1); c.4397-4270T>A (NM_001354252.2, NM_001354239.2); c.4298-4270T>A (NM_001354272.2); and 35 more; short protein forms D2567E, D2692E, D1445E, D2684E, D2645E.
Identifiers: ClinVar variation 2882837 (VCV002882837.3), dbSNP rs1229854532, ClinGen allele CA357932695.

ClinVar aggregate classification (germline): Uncertain significance (1 of 4 stars; one submission).

Conditions:
Long QT syndrome (LQTS). Identifiers: MedGen C0023976, MeSH D008133, MONDO:0002442. Disease mechanism: loss of function. Inheritance: Various modes of inheritance.

Submission:

Labcorp Genetics (formerly Invitae), Labcorp
Classification: Uncertain significance for Long QT syndrome. Last evaluated: 2023-10-23. Review status: criteria provided, single submitter. Criteria: Invitae Variant Classification Sherloc (09022015). Collection method: clinical testing. Allele origin: germline.
Comment: This sequence change replaces aspartic acid, which is acidic and polar, with glutamic acid, which is acidic and polar, at codon 2645 of the ANK2 protein (p.Asp2645Glu). This variant is not present in population databases (gnomAD no frequency). This variant has not been reported in the literature in individuals affected with ANK2-related conditions. Algorithms developed to predict the effect of missense changes on protein structure and function output the following: SIFT: "Not Available"; PolyPhen-2: "Benign"; Align-GVGD: "Not Available". The glutamic acid amino acid residue is found in multiple mammalian species, which suggests that this missense change does not adversely affect protein function. In summary, the available evidence is currently insufficient to determine the role of this variant in disease. Therefore, it has been classified as a Variant of Uncertain Significance.